The following is an entry in ClinVar:

NM_005559.4(LAMA1):c.2747T>C (p.Leu916Pro)

Gene: LAMA1 (laminin subunit alpha 1; minus strand). Cytogenetic location: 18p11.31.
Variant type: single nucleotide variant.
Coding change: c.2747T>C on transcript NM_005559.4 (MANE Select); coding-DNA position 2747, T replaced by C.
Protein change: p.Leu916Pro; replaces leucine 916 with proline.
Molecular consequence: missense variant.
Genome position (GRCh38, 1-based): chr18:7,017,339, A>G on the plus strand (T>C on the coding strand, the complement: LAMA1 is on the minus strand). VCF-style: chr18-7017339-A-G. GRCh37 (hg19) VCF-style: chr18-7017338-A-G.
Other names: short protein forms L916P.
Identifiers: ClinVar variation 1394323 (VCV001394323.6), dbSNP rs769368993, ClinGen allele CA8882541.

ClinVar aggregate classification (germline): Uncertain significance (1 of 4 stars; one submission).

Allele frequency attached by ClinVar (database versions not stated): ExAC 0.00001; gnomAD 0.00002; gnomAD exomes 0.00003 and 0.00007; TOPMed 0.00003.
gnomAD v4.1: 21 of 1,614,002 alleles (0.0013%); highest among the groups gnomAD compares: Admixed American, 0.035%; no homozygotes.

Submission:

Labcorp Genetics (formerly Invitae), Labcorp
Classification: Uncertain significance. Last evaluated: 2025-11-10. Review status: criteria provided, single submitter. Criteria: Invitae Variant Classification Sherloc (09022015). Collection method: clinical testing. Allele origin: germline.
Comment: This sequence change replaces leucine, which is neutral and non-polar, with proline, which is neutral and non-polar, at codon 916 of the LAMA1 protein (p.Leu916Pro). This variant is present in population databases (rs769368993, gnomAD 0.05%). This variant has not been reported in the literature in individuals affected with LAMA1-related conditions. ClinVar contains an entry for this variant (Variation ID: 1394323). Invitae Evidence Modeling of protein sequence and biophysical properties (such as structural, functional, and spatial information, amino acid conservation, physicochemical variation, residue mobility, and thermodynamic stability) indicates that this missense variant is not expected to disrupt LAMA1 protein function with a negative predictive value of 80%. In summary, the available evidence is currently insufficient to determine the role of this variant in disease. Therefore, it has been classified as a Variant of Uncertain Significance.